The following is an entry in ClinVar:

ClinVar aggregate classification (germline): Likely benign (1 of 4 stars; one submission).

Conditions:
NPRL2-related disorder. Also called: NPRL2-related condition.

Submission:

PreventionGenetics, part of Exact Sciences
Classification: Likely benign for NPRL2-related condition. Last evaluated: 2025-03-10. Review status: criteria provided, single submitter. Criteria: ACMG Guidelines, 2015. Collection method: clinical testing. Allele origin: germline.
Comment: This variant is classified as likely benign based on ACMG/AMP sequence variant interpretation guidelines (Richards et al. 2015 PMID: 25741868, with internal and published modifications).

NM_006545.5(NPRL2):c.-4T>C

Gene: NPRL2 (NPR2 like, GATOR1 complex subunit; minus strand). Cytogenetic location: 3p21.31.
Variant type: single nucleotide variant.
Coding change: c.-4T>C on transcript NM_006545.5 (MANE Select); 4 bases upstream of the start codon, T replaced by C.
Molecular consequence: 5 prime UTR variant.
Genome position (GRCh38, 1-based): chr3:50,350,656, A>G on the plus strand (T>C on the coding strand, the complement: NPRL2 is on the minus strand). VCF-style: chr3-50350656-A-G. GRCh37 (hg19) VCF-style: chr3-50388087-A-G.
Identifiers: ClinVar variation 4998749 (VCV004998749.1).
Genomic context (GRCh38, chr3:50,350,656, plus strand): 5'-CAGCGTGGGGTGGAACTCGCTGAAGAATATGCATTCGATGCGGCAGCCGCTGCCCATGGC[A>G]ATAACCGGGCCCAGGCCCGTAGCTCCTCGTTCCTCGCGCAGAGGCGTCCCCACCTCCTGT-3'